The following is an entry in ClinVar:

ClinVar aggregate classification (germline): Uncertain significance (1 of 4 stars; one submission).

Allele frequency attached by ClinVar (database versions not stated): gnomAD exomes 0.00002; ExAC 0.00003; ESP Exome Variant Server 0.00008.

Submission:

Labcorp Genetics (formerly Invitae), Labcorp
Classification: Uncertain significance. Last evaluated: 2022-07-05. Review status: criteria provided, single submitter. Criteria: Invitae Variant Classification Sherloc (09022015). Collection method: clinical testing. Allele origin: germline.
Comment: This variant is present in population databases (rs376143406, gnomAD 0.01%). In summary, the available evidence is currently insufficient to determine the role of this variant in disease. Therefore, it has been classified as a Variant of Uncertain Significance. Algorithms developed to predict the effect of missense changes on protein structure and function are either unavailable or do not agree on the potential impact of this missense change (SIFT: "Deleterious"; PolyPhen-2: "Benign"; Align-GVGD: "Class C35"). ClinVar contains an entry for this variant (Variation ID: 1415774). This variant has not been reported in the literature in individuals affected with OR2W3-related conditions. This sequence change replaces proline, which is neutral and non-polar, with threonine, which is neutral and polar, at codon 161 of the OR2W3 protein (p.Pro161Thr).

NM_001001957.2(OR2W3):c.481C>A (p.Pro161Thr)

Gene: OR2W3 (olfactory receptor family 2 subfamily W member 3; plus strand). Cytogenetic location: 1q44.
Variant type: single nucleotide variant.
Coding change: c.481C>A on transcript NM_001001957.2 (MANE Select); coding-DNA position 481, C replaced by A.
Protein change: p.Pro161Thr; replaces proline 161 with threonine.
Molecular consequence: missense variant.
Genome position (GRCh38, 1-based): chr1:247,896,067, C>A. VCF-style: chr1-247896067-C-A. GRCh37 (hg19) VCF-style: chr1-248059369-C-A.
Other names: short protein forms P161T.
Identifiers: ClinVar variation 1415774 (VCV001415774.6), dbSNP rs376143406, ClinGen allele CA1498606.